The following is an entry in ClinVar:

NM_007055.4(POLR3A):c.2158G>A (p.Gly720Ser)

Gene: POLR3A (RNA polymerase III subunit A; minus strand). Cytogenetic location: 10q22.3.
Variant type: single nucleotide variant.
Coding change: c.2158G>A on transcript NM_007055.4 (MANE Select); coding-DNA position 2158, G replaced by A.
Protein change: p.Gly720Ser; replaces glycine 720 with serine.
Molecular consequence: missense variant.
Genome position (GRCh38, 1-based): chr10:78,004,805, C>T on the plus strand (G>A on the coding strand, the complement: POLR3A is on the minus strand). VCF-style: chr10-78004805-C-T. GRCh37 (hg19) VCF-style: chr10-79764563-C-T.
Other names: short protein forms G720S.
Identifiers: ClinVar variation 1417375 (VCV001417375.8), dbSNP rs373106090, ClinGen allele CA5571207.

ClinVar aggregate classification (germline): Uncertain significance (1 of 4 stars; one submission).

Allele frequency attached by ClinVar (database versions not stated): gnomAD exomes below 0.00001 and 0.00001; TOPMed 0.00001; ExAC 0.00002; gnomAD 0.00002; ESP Exome Variant Server 0.00008.
gnomAD v4.1: 8 of 1,613,894 alleles (0.0005%); highest among the groups gnomAD compares: African/African-American, 0.004%; no homozygotes.

Submission:

Labcorp Genetics (formerly Invitae), Labcorp
Classification: Uncertain significance. Last evaluated: 2021-02-22. Review status: criteria provided, single submitter. Criteria: Invitae Variant Classification Sherloc (09022015). Collection method: clinical testing. Allele origin: germline.
Comment: In summary, the available evidence is currently insufficient to determine the role of this variant in disease. Therefore, it has been classified as a Variant of Uncertain Significance. Algorithms developed to predict the effect of sequence changes on RNA splicing suggest that this variant may create or strengthen a splice site, but this prediction has not been confirmed by published transcriptional studies. Algorithms developed to predict the effect of missense changes on protein structure and function are either unavailable or do not agree on the potential impact of this missense change (SIFT: "Deleterious"; PolyPhen-2: "Benign"; Align-GVGD: "Class C0"). This variant has not been reported in the literature in individuals with POLR3A-related conditions. This variant is present in population databases (rs373106090, ExAC 0.01%). This sequence change replaces glycine with serine at codon 720 of the POLR3A protein (p.Gly720Ser). The glycine residue is highly conserved and there is a small physicochemical difference between glycine and serine.